The following is an entry in ClinVar:

ClinVar aggregate classification (germline): Pathogenic (1 of 4 stars; one submission).

Conditions:
Desmin-related myofibrillar myopathy (MFM1). Also called: Desminopathy; Desmin related myopathy (former name); Desmin storage myopathy (former name); MYOFIBRILLAR MYOPATHY WITH ARRHYTHMOGENIC RIGHT VENTRICULAR CARDIOMYOPATHY; DESMIN-RELATED MYOPATHY WITH ARRHYTHMOGENIC RIGHT VENTRICULAR CARDIOMYOPATHY; Myofibrillar myopathy 1. Identifiers: Orphanet 363543, Orphanet 98909, MedGen C1832370, MONDO:0011076, OMIM 601419.

Submission:

Labcorp Genetics (formerly Invitae), Labcorp
Classification: Pathogenic for Desmin-related myofibrillar myopathy. Last evaluated: 2024-09-17. Review status: criteria provided, single submitter. Criteria: Invitae Variant Classification Sherloc (09022015). Collection method: clinical testing. Allele origin: germline.
Comment: This sequence change creates a premature translational stop signal (p.Gln348*) in the DES gene. It is expected to result in an absent or disrupted protein product. Loss-of-function variants in DES are known to be pathogenic (PMID: 23575897). This variant is not present in population databases (gnomAD no frequency). This variant has not been reported in the literature in individuals affected with DES-related conditions. For these reasons, this variant has been classified as Pathogenic.

Literature cited by the submitters: PubMed 23575897.

NM_001927.4(DES):c.1042C>T (p.Gln348Ter)

Gene: DES (desmin; plus strand). Cytogenetic location: 2q35.
Variant type: single nucleotide variant.
Coding change: c.1042C>T on transcript NM_001927.4 (MANE Select); coding-DNA position 1042, C replaced by T.
Protein change: p.Gln348Ter; replaces glutamine 348 with a stop codon.
Molecular consequence: nonsense. On other transcripts: intron variant (3).
Genome position (GRCh38, 1-based): chr2:219,421,358, C>T. VCF-style: chr2-219421358-C-T. GRCh37 (hg19) VCF-style: chr2-220286080-C-T.
Other names: c.1039C>T, p.Gln347Ter (NM_001382708.1); c.1042C>T, p.Gln348Ter (NM_001382712.1); c.772C>T, p.Gln258Ter (NM_001382713.1); c.1024-3C>T (NM_001382711.1); c.1024-51C>T (NM_001382710.1); c.736-126C>T (NM_001382709.1); short protein forms Q258*, Q347*, Q348*.
Identifiers: ClinVar variation 3755773 (VCV003755773.2).